The following is an entry in ClinVar:

ClinVar aggregate classification (germline): Pathogenic (1 of 4 stars; one submission).

Conditions:
Fanconi anemia complementation group O. Also called: RAD51C-Related Fanconi Anemia. Identifiers: Orphanet 84, MedGen C3150653, MONDO:0013248, OMIM 613390.

Submission:

Labcorp Genetics (formerly Invitae), Labcorp
Classification: Pathogenic for Fanconi anemia complementation group O. Last evaluated: 2015-08-13. Review status: criteria provided, single submitter. Criteria: Invitae Variant Classification Sherloc (09022015). Collection method: clinical testing. Allele origin: germline.
Comment: This sequence change is a gross deletion of the genomic region encompassing exons 4 to 9 of the RAD51C gene causing a frameshift at codon 191, This creates a premature translational stop signal (p.Glu191Alafs*1). This deletion extends into the introns and the breakpoints have not been determined by this assay. While this particular variant has not been reported in the literature, truncating variants in RAD51C are known to be pathogenic (PMID: 20400964, 21990120, 24800917). For these reasons, this variant has been classified as Pathogenic.

NM_058216.1(RAD51C):c.572-?_(*1_?)del

Genes: RAD51C (RAD51 paralog C; plus strand), LOC129390903 (MPRA-validated peak2919 silencer; plus strand), LOC130061311 (ATAC-STARR-seq lymphoblastoid active region 12492; plus strand). Cytogenetic location: 17q22.
Variant type: Deletion.
Coding change: c.572-?_(*1_?)del on transcript NM_058216.1.
Other names: c.572-?_(*1_?)del (LRG_314t1).
Identifiers: ClinVar variation 219825 (VCV000219825.1).